The following is an entry in ClinVar:

NM_018685.5(ANLN):c.2853A>G (p.Ser951=)

Gene: ANLN (anillin, actin binding protein; plus strand). Cytogenetic location: 7p14.2.
Variant type: single nucleotide variant.
Coding change: c.2853A>G on transcript NM_018685.5 (MANE Select); coding-DNA position 2853, A replaced by G.
Protein change: p.Ser951=; no amino-acid change (serine 951 retained).
Molecular consequence: synonymous variant.
Genome position (GRCh38, 1-based): chr7:36,426,998, A>G. VCF-style: chr7-36426998-A-G. GRCh37 (hg19) VCF-style: chr7-36466607-A-G.
Other names: c.2742A>G, p.Ser914= (NM_001284301.3); c.2739A>G, p.Ser913= (NM_001284302.3).
Identifiers: ClinVar variation 4978657 (VCV004978657.1).

ClinVar aggregate classification (germline): Uncertain significance (1 of 4 stars; one submission).

Conditions:
ANLN-related disorder. Also called: ANLN-related condition.

gnomAD v4.1: 12 of 1,612,336 alleles (0.00074%); highest among the groups gnomAD compares: African/African-American, 0.012%; no homozygotes.

Submission:

PreventionGenetics, part of Exact Sciences
Classification: Uncertain significance for ANLN-related condition. Last evaluated: 2026-04-12. Review status: criteria provided, single submitter. Criteria: ACMG Guidelines, 2015. Collection method: clinical testing. Allele origin: germline.
Comment: The ANLN c.2853A>G variant is not predicted to result in an amino acid change (p.=). This variant is predicted to alter splicing based on available splicing prediction software (SpliceAI, Jaganathan et al. 2019. PubMed ID: 30661751). However, the use of computer prediction software is not equivalent to functional evidence. To our knowledge, this variant has not been reported in the literature. This variant is reported in 0.0062% of alleles in individuals of African descent in gnomAD. At this time, the clinical significance of this variant is uncertain due to the absence of conclusive functional and genetic evidence.